The following is an entry in ClinVar:

NM_001382.4(DPAGT1):c.574G>A (p.Gly192Ser)

Gene: DPAGT1 (dolichyl-phosphate N-acetylglucosaminephosphotransferase 1; minus strand). Cytogenetic location: 11q23.3.
Variant type: single nucleotide variant.
Coding change: c.574G>A on transcript NM_001382.4 (MANE Select); coding-DNA position 574, G replaced by A.
Protein change: p.Gly192Ser; replaces glycine 192 with serine.
Molecular consequence: missense variant.
Genome position (GRCh38, 1-based): chr11:119,100,331, C>T on the plus strand (G>A on the coding strand, the complement: DPAGT1 is on the minus strand). VCF-style: chr11-119100331-C-T. GRCh37 (hg19) VCF-style: chr11-118971041-C-T.
Other names: short protein forms G192S.
Identifiers: ClinVar variation 851346 (VCV000851346.36), dbSNP rs768464558, ClinGen allele CA6314599.
Genomic context (GRCh38, chr11:119,100,331, plus strand): 5'-CTACCAGGTTGAAGACAATGATGGAAGCAGAAATGACTAGTGACTGGCCAGCCTCTAGGC[C>T]GTTAATTCCTGCTAGGATATTGATGGCATTGGTACAGAACACTGCCAGCAGCCCCATGTA-3'
Protein context (NP_001373.2, residues 182-202): NAINILAGIN[Gly192Ser]LEAGQSLVIS

ClinVar aggregate classification (germline): Conflicting classifications of pathogenicity. Review status: criteria provided, conflicting classifications (1 of 4 stars). 6 submissions from 6 submitters: Likely pathogenic (5); Uncertain significance (1). Last evaluated 2026-09-07.

Conditions:
Congenital myasthenic syndrome 13 (CMS13). Also called: Myasthenic syndrome, congenital, 13, with tubular aggregates; Myasthenic syndrome, congenital, with tubular aggregates 2. Identifiers: Orphanet 353327, Orphanet 590, MedGen C3553645, MONDO:0013883, OMIM 614750.
DPAGT1-congenital disorder of glycosylation. Also called: CDG Ij; DPAGT1-CDG; CONGENITAL DISORDER OF GLYCOSYLATION, TYPE Ij. Identifiers: Orphanet 86309, MedGen C2931004, MONDO:0011964, OMIM 608093.
DPAGT1-related disorders.

Allele frequency attached by ClinVar (database versions not stated): ExAC 0.00001; gnomAD exomes 0.00003; TOPMed 0.00003.
gnomAD v4.1: 42 of 1,614,048 alleles (0.0026%); highest among the groups gnomAD compares: South Asian, 0.0099%; no homozygotes.

Submissions (6):

GeneDx
Classification: Likely pathogenic. Last evaluated: 2026-09-07. Review status: criteria provided, single submitter. Criteria: GeneDx Variant Classification Process June 2021. Collection method: clinical testing. Allele origin: germline.
Comment: Observed with a second variant in DPAGT1 in a patient with autosomal recessive congenital myasthenia (PMID: 22742743); Published functional studies found this variant is associated with significantly reduced enzyme activity (PMID: 30388443); In silico analysis supports that this missense variant has a deleterious effect on protein structure/function; Not observed at significant frequency in large population cohorts (gnomAD); This variant is associated with the following publications: (PMID: 30388443, 22742743, 23447650, 38124360, 37005892, 27941137)

Variantyx, Inc.
Classification: Likely pathogenic for Congenital myasthenic syndrome 13. Last evaluated: 2025-03-06. Review status: criteria provided, single submitter. Criteria: Variantyx Assertion Criteria 2022. Collection method: clinical testing. Allele origin: germline. Inheritance: Autosomal recessive inheritance. Affected: yes.
Comment: This is a nonsynonymous variant in the DPAGT1 gene (OMIM: 191350). Pathogenic variants in this gene have been associated with autosomal recessive congenital myasthenic syndrome 13 with tubular aggregates. Functional studies have shown that this variant alters DPAGT1 protein function (PMID: 30388443) (PS3) and multiple computational algorithms predict a deleterious effect for this variant (REVEL score: 0.994) (PP3). This variant has a 0.0099% maximum allele frequency in non-founder control populations (PM2). It has been reported in at least one affected individual who carried a second variant in this gene; however, the phase of these variants could not be determined (PMID: 22742743). Based on the current evidence, this variant is classified as likely pathogenic for autosomal recessive congenital myasthenic syndrome 13 with tubular aggregates.A

Blueprint Genetics
Classification: Likely pathogenic for DPAGT1-related disorders. Last evaluated: 2024-10-22. Review status: criteria provided, single submitter. Criteria: ACMG Guidelines, 2015. Collection method: clinical testing. Allele origin: germline. Affected: yes. Observed: 2 variant alleles.

Revvity Omics, Revvity
Classification: Likely pathogenic. Last evaluated: 2023-06-26. Review status: criteria provided, single submitter. Criteria: ACMG Guidelines, 2015. Collection method: clinical testing. Allele origin: germline.

Labcorp Genetics (formerly Invitae), Labcorp
Classification: Uncertain significance for Congenital myasthenic syndrome 13; DPAGT1-congenital disorder of glycosylation. Last evaluated: 2022-11-01. Review status: criteria provided, single submitter. Criteria: Invitae Variant Classification Sherloc (09022015). Collection method: clinical testing. Allele origin: germline.
Comment: This sequence change replaces glycine, which is neutral and non-polar, with serine, which is neutral and polar, at codon 192 of the DPAGT1 protein (p.Gly192Ser). This variant is present in population databases (rs768464558, gnomAD 0.01%). This missense change has been observed in individual(s) with congenital myasthenic syndrome (PMID: 22742743). ClinVar contains an entry for this variant (Variation ID: 851346). Advanced modeling of protein sequence and biophysical properties (such as structural, functional, and spatial information, amino acid conservation, physicochemical variation, residue mobility, and thermodynamic stability) performed at Invitae indicates that this missense variant is expected to disrupt DPAGT1 protein function. Experimental studies have shown that this missense change affects DPAGT1 function (PMID: 30388443). In summary, the available evidence is currently insufficient to determine the role of this variant in disease. Therefore, it has been classified as a Variant of Uncertain Significance.

Research Laboratories, P. D. Hinduja Hospital & MRC
Classification: Likely pathogenic for DPAGT1-congenital disorder of glycosylation. Review status: criteria provided, single submitter. Criteria: ACMG Guidelines, 2015. Collection method: clinical testing. Allele origin: inherited. Inheritance: Autosomal recessive inheritance. Affected: yes. Observed: 1 variant allele, 1 compound heterozygote.

Literature cited by the submitters: PubMed 30388443 (cited by Variantyx, Inc. and Labcorp Genetics (formerly Invitae), Labcorp); PubMed 22742743 (cited by Labcorp Genetics (formerly Invitae), Labcorp and Research Laboratories, P. D. Hinduja Hospital & MRC).